The following is an entry in ClinVar:

ClinVar aggregate classification (germline): Benign. Review status: criteria provided, multiple submitters, no conflicts (2 of 4 stars). 8 submissions from 8 submitters: Benign (6). 2 of the submissions do not count toward it. Last evaluated 2026-02-04.

Conditions:
PLA2G6-associated neurodegeneration (PLAN). Also called: phospholipase A2-associated neurodegeneration. Identifiers: Orphanet 329303, MedGen CN204472, MONDO:0017998.
Infantile neuroaxonal dystrophy (NBIA2A). Also called: SEITELBERGER DISEASE; Infantile neuroaxonal dystrophy 1; NEURODEGENERATION WITH BRAIN IRON ACCUMULATION 2A. Identifiers: Orphanet 35069, MedGen C0270724, MONDO:0024457, OMIM 256600.

Allele frequency attached by ClinVar (database versions not stated): 1000 Genomes Project 0.06390; gnomAD exomes 0.00627 and 0.01386; ESP Exome Variant Server 0.06010; TOPMed 0.06146; 1000 Genomes Project 30x 0.06715; ExAC 0.03410; gnomAD 0.05937.
gnomAD v4.1: 17,646 of 1,563,298 alleles (1.1%); highest among the groups gnomAD compares: African/African-American, 19%; 1,411 homozygotes.

Submissions (8):

Labcorp Genetics (formerly Invitae), Labcorp
Classification: Benign for Infantile neuroaxonal dystrophy. Last evaluated: 2026-02-04. Review status: criteria provided, single submitter. Criteria: Invitae Variant Classification Sherloc (09022015). Collection method: clinical testing. Allele origin: germline.

Mayo Clinic Laboratories, Mayo Clinic
Classification: Benign. Last evaluated: 2022-03-16. Review status: criteria provided, single submitter. Criteria: ACMG Guidelines, 2015. Collection method: clinical testing. Allele origin: germline. Observed: 52 variant alleles.
Comment: BA1

GeneDx
Classification: Benign. Last evaluated: 2018-07-03. Review status: criteria provided, single submitter. Criteria: GeneDx Variant Classification Process June 2021. Collection method: clinical testing. Allele origin: germline. Affected: yes.

Illumina Laboratory Services, Illumina
Classification: Benign for PLA2G6-associated neurodegeneration. Last evaluated: 2018-01-13. Review status: criteria provided, single submitter. Criteria: ICSL Variant Classification Criteria 13 December 2019. Collection method: clinical testing. Allele origin: germline.
Comment: This variant was observed in the ICSL laboratory as part of a predisposition screen in an ostensibly healthy population. It had not been previously curated by ICSL or reported in the Human Gene Mutation Database (HGMD: prior to June 1st, 2018), and was therefore a candidate for classification through an automated scoring system. Utilizing variant allele frequency, disease prevalence and penetrance estimates, and inheritance mode, an automated score was calculated to assess if this variant is too frequent to cause the disease. Based on the score and internal cut-off values, a variant classified as benign is not then subjected to further curation. The score for this variant resulted in a classification of benign for this disease.

Genetic Services Laboratory, University of Chicago
Classification: Benign. Last evaluated: 2013-08-15. Review status: criteria provided, single submitter. Criteria: ACMG Guidelines, 2007. Collection method: clinical testing. Allele origin: germline. Inheritance: Autosomal recessive inheritance.

Breakthrough Genomics
Classification: Benign. Review status: criteria provided, single submitter. Criteria: ACMG Guidelines, 2015. Collection method: not provided. Allele origin: germline. Inheritance: Autosomal recessive inheritance. Affected: yes.

Clinical Genetics DNA and cytogenetics Diagnostics Lab, Erasmus MC, Erasmus Medical Center
Classification: Benign. Review status: no assertion criteria provided. Collection method: clinical testing. Allele origin: germline. Affected: yes. Study: VKGL Data-share Consensus. Not counted in ClinVar's aggregate classification.

Clinical Genetics, Academic Medical Center
Classification: Benign. Review status: no assertion criteria provided. Collection method: clinical testing. Allele origin: germline. Affected: yes. Study: VKGL Data-share Consensus. Not counted in ClinVar's aggregate classification.

NM_003560.4(PLA2G6):c.957G>A (p.Thr319=)

Gene: PLA2G6 (phospholipase A2 group VI; minus strand). Cytogenetic location: 22q13.1.
Variant type: single nucleotide variant.
Coding change: c.957G>A on transcript NM_003560.4 (MANE Select); coding-DNA position 957, G replaced by A.
Protein change: p.Thr319=; no amino-acid change (threonine 319 retained).
Molecular consequence: synonymous variant.
Genome position (GRCh38, 1-based): chr22:38,132,951, C>T on the plus strand (G>A on the coding strand, the complement: PLA2G6 is on the minus strand). VCF-style: chr22-38132951-C-T. GRCh37 (hg19) VCF-style: chr22-38528958-C-T.
Other names: p.Thr319=; c.957G>A, p.Thr319= (NM_001004426.3, NM_001199562.3, NM_001349864.2 and 2 more transcripts); c.423G>A, p.Thr141= (NM_001349867.2, NM_001349869.2); c.279G>A, p.Thr93= (NM_001349868.2).
Identifiers: ClinVar variation 159782 (VCV000159782.22), dbSNP rs11570679, ClinGen allele CA173297.